The following is an entry in ClinVar:

NC_000011.9:g.(?_63400478)_(63403826_?)del

Gene: ATL3 (atlastin GTPase 3; minus strand). Cytogenetic location: 11q13.1.
Variant type: Deletion.
Identifiers: ClinVar variation 3244675 (VCV003244675.1).

ClinVar aggregate classification (germline): Uncertain significance (1 of 4 stars; one submission).

Conditions:
Neuropathy, hereditary sensory, type 1F. Also called: HSN IF; Hereditary sensory neuropathy type IF. Identifiers: Orphanet 36386, MedGen C3810194, MONDO:0014286, OMIM 615632.

Submission:

Labcorp Genetics (formerly Invitae), Labcorp
Classification: Uncertain significance for Neuropathy, hereditary sensory, type 1F. Last evaluated: 2023-10-30. Review status: criteria provided, single submitter. Criteria: Invitae Variant Classification Sherloc (09022015). Collection method: clinical testing. Allele origin: unknown.
Comment: This variant is a gross deletion of the genomic region encompassing exon(s) 9-11 of the ATL3 gene. This deletion is out-of-frame, and is expected to create a premature translational stop signal and result in an absent or disrupted protein product. However, the current clinical and genetic evidence is not sufficient to establish whether loss-of-function variants in ATL3 cause disease. This variant has not been reported in the literature in individuals affected with ATL3-related conditions. In summary, the available evidence is currently insufficient to determine the role of this variant in disease. Therefore, it has been classified as a Variant of Uncertain Significance.